The following is an entry in ClinVar:

NM_000051.4(ATM):c.6044C>T (p.Pro2015Leu)

Genes: ATM (ATM serine/threonine kinase; plus strand), C11orf65 (chromosome 11 open reading frame 65; minus strand). Cytogenetic location: 11q22.3.
Variant type: single nucleotide variant.
Coding change: c.6044C>T on transcript NM_000051.4 (MANE Select); coding-DNA position 6044, C replaced by T.
Protein change: p.Pro2015Leu; replaces proline 2015 with leucine.
Molecular consequence: missense variant. On other transcripts: intron variant (2).
Genome position (GRCh38, 1-based): chr11:108,315,860, C>T. VCF-style: chr11-108315860-C-T. GRCh37 (hg19) VCF-style: chr11-108186587-C-T.
Other names: c.6044C>T, p.Pro2015Leu (NM_001351834.2); c.641-6789G>A (NM_001330368.2); c.*39-6789G>A (NM_001351110.2); short protein forms P2015L.
Identifiers: ClinVar variation 1024465 (VCV001024465.7), dbSNP rs2084588823, ClinGen allele CA382549949.

ClinVar aggregate classification (germline): Uncertain significance (1 of 4 stars; one submission).

Conditions:
Ataxia-telangiectasia syndrome (AT). Also called: Ataxia telangiectasia (A-T); ATAXIA-TELANGIECTASIA, COMPLEMENTATION GROUP A; ATAXIA-TELANGIECTASIA, FRESNO VARIANT; Ataxia-telangiectasia; Ataxia-telangiectasia, complementation group E; LOUIS-BAR SYNDROME. Identifiers: Orphanet 100, MedGen C0004135, MONDO:0008840, OMIM 208900.

Submission:

Labcorp Genetics (formerly Invitae), Labcorp
Classification: Uncertain significance for Ataxia-telangiectasia syndrome. Last evaluated: 2025-09-12. Review status: criteria provided, single submitter. Criteria: Invitae Variant Classification Sherloc (09022015). Collection method: clinical testing. Allele origin: germline.
Comment: This sequence change replaces proline, which is neutral and non-polar, with leucine, which is neutral and non-polar, at codon 2015 of the ATM protein (p.Pro2015Leu). This variant is not present in population databases (gnomAD no frequency). This variant has not been reported in the literature in individuals affected with ATM-related conditions. ClinVar contains an entry for this variant (Variation ID: 1024465). Invitae Evidence Modeling of protein sequence and biophysical properties (such as structural, functional, and spatial information, amino acid conservation, physicochemical variation, residue mobility, and thermodynamic stability) has been performed for this missense variant. However, the output from this modeling did not meet the statistical confidence thresholds required to predict the impact of this variant on ATM protein function. In summary, the available evidence is currently insufficient to determine the role of this variant in disease. Therefore, it has been classified as a Variant of Uncertain Significance.